The following is an entry in ClinVar:

NM_130811.4(SNAP25):c.25A>C (p.Asn9His)

Gene: SNAP25 (synaptosome associated protein 25; plus strand). Cytogenetic location: 20p12.2.
Variant type: single nucleotide variant.
Coding change: c.25A>C on transcript NM_130811.4 (MANE Select); coding-DNA position 25, A replaced by C.
Protein change: p.Asn9His; replaces asparagine 9 with histidine.
Molecular consequence: missense variant.
Genome position (GRCh38, 1-based): chr20:10,275,516, A>C. VCF-style: chr20-10275516-A-C. GRCh37 (hg19) VCF-style: chr20-10256164-A-C.
Other names: c.25A>C, p.Asn9His (NM_001322902.2, NM_001322903.2, NM_001322904.2 and 7 more transcripts); short protein forms N9H.
Identifiers: ClinVar variation 1469474 (VCV001469474.8), dbSNP rs2063677130, ClinGen allele CA408265189.
Genomic context (GRCh38, chr20:10,275,516, plus strand): 5'-CCCAGCCCAGGCGCCCAGCCACTCCCCACCGCTACCATGGCCGAAGACGCAGACATGCGC[A>C]ATGAGCTGGAGGAGATGCAGCGAAGGGCTGACCAGTTGGCTGATGAGGTAAGGAGTGGAG-3'
Protein context (NP_570824.1, residues 1-19): MAEDADMR[Asn9His]ELEEMQRRAD

ClinVar aggregate classification (germline): Uncertain significance (1 of 4 stars; one submission).

Conditions:
Congenital myasthenic syndrome 18. Also called: MYASTHENIC SYNDROME, CONGENITAL, 18, WITH INTELLECTUAL DISABILITY AND ATAXIA. Identifiers: Orphanet 590, MedGen C4225364, MONDO:0014590, OMIM 616330.

Submission:

Labcorp Genetics (formerly Invitae), Labcorp
Classification: Uncertain significance for Congenital myasthenic syndrome 18. Last evaluated: 2022-01-15. Review status: criteria provided, single submitter. Criteria: Invitae Variant Classification Sherloc (09022015). Collection method: clinical testing. Allele origin: germline.
Comment: In summary, the available evidence is currently insufficient to determine the role of this variant in disease. Therefore, it has been classified as a Variant of Uncertain Significance. Algorithms developed to predict the effect of missense changes on protein structure and function are either unavailable or do not agree on the potential impact of this missense change (SIFT: "Tolerated"; PolyPhen-2: "Possibly Damaging"; Align-GVGD: "Class C0"). This variant has not been reported in the literature in individuals affected with SNAP25-related conditions. This variant is not present in population databases (gnomAD no frequency). This sequence change replaces asparagine, which is neutral and polar, with histidine, which is basic and polar, at codon 9 of the SNAP25 protein (p.Asn9His).